The following is an entry in ClinVar:

NM_004415.4(DSP):c.5969C>G (p.Thr1990Ser)

Gene: DSP (desmoplakin; plus strand). Cytogenetic location: 6p24.3.
Variant type: single nucleotide variant.
Coding change: c.5969C>G on transcript NM_004415.4 (MANE Select); coding-DNA position 5969, C replaced by G.
Protein change: p.Thr1990Ser; replaces threonine 1990 with serine.
Molecular consequence: missense variant.
Genome position (GRCh38, 1-based): chr6:7,583,231, C>G. VCF-style: chr6-7583231-C-G. GRCh37 (hg19) VCF-style: chr6-7583464-C-G.
Other names: c.4172C>G, p.Thr1391Ser (NM_001008844.3); c.4640C>G, p.Thr1547Ser (NM_001319034.2); short protein forms T1391S, T1547S, T1990S.
Identifiers: ClinVar variation 3842700 (VCV003842700.1).
Genomic context (GRCh38, chr6:7,583,231, plus strand): 5'-GGCTGAGGAAGAAGGTGACAGCAATGCAGCTCTATGAGTGTCAGCTGATCGACAAAACAA[C>G]CTTGGACAAACTATTGAAGGGGAAGAAGTCAGTGGAAGAAGTTGCTTCTGAAATCCAGCC-3'
Protein context (NP_004406.2, residues 1980-2000): LYECQLIDKT[Thr1990Ser]LDKLLKGKKS

ClinVar aggregate classification (germline): Uncertain significance (1 of 4 stars; one submission).

Conditions:
Cardiovascular phenotype. Identifiers: MedGen CN230736.

Submission:

Ambry Genetics
Classification: Uncertain significance for Cardiovascular phenotype. Last evaluated: 2025-02-15. Review status: criteria provided, single submitter. Criteria: Ambry Variant Classification Scheme 2023. Collection method: clinical testing. Allele origin: germline.
Comment: The p.T1990S variant (also known as c.5969C>G), located in coding exon 24 of the DSP gene, results from a C to G substitution at nucleotide position 5969. The threonine at codon 1990 is replaced by serine, an amino acid with similar properties. This amino acid position is conserved. In addition, the in silico prediction for this alteration is inconclusive. Based on the available evidence, the clinical significance of this variant remains unclear.